The following is an entry in ClinVar:

ClinVar aggregate classification (germline): Uncertain significance. Review status: criteria provided, multiple submitters, no conflicts (2 of 4 stars). 4 submissions from 4 submitters: Uncertain significance (4). Last evaluated 2025-06-13.

Conditions:
Inborn genetic diseases. Identifiers: MedGen C0950123, MeSH D030342.

Allele frequency attached by ClinVar (database versions not stated): gnomAD 0.00003 and 0.00005; gnomAD exomes 0.00005 and 0.00008; ExAC 0.00005; TOPMed 0.00007.
gnomAD v4.1: 80 of 1,610,692 alleles (0.005%); highest among the groups gnomAD compares: East Asian, 0.025%; no homozygotes.

Submissions (4):

GeneDx
Classification: Uncertain significance. Last evaluated: 2025-06-13. Review status: criteria provided, single submitter. Criteria: GeneDx Variant Classification Process June 2021. Collection method: clinical testing. Allele origin: germline. Affected: yes.
Comment: In silico analysis suggests that this missense variant does not alter protein structure/function; Has not been previously published as pathogenic or benign to our knowledge

Ambry Genetics
Classification: Uncertain significance for Inborn genetic diseases. Last evaluated: 2022-10-13. Review status: criteria provided, single submitter. Criteria: Ambry Variant Classification Scheme 2023. Collection method: clinical testing. Allele origin: germline.
Comment: The c.1237C>T (p.R413W) alteration is located in exon 10 (coding exon 10) of the HSPG2 gene. This alteration results from a C to T substitution at nucleotide position 1237, causing the arginine (R) at amino acid position 413 to be replaced by a tryptophan (W). The p.R413W alteration is predicted to be tolerated by in silico analysis. Based on insufficient or conflicting evidence, the clinical significance of this alteration remains unclear.

Labcorp Genetics (formerly Invitae), Labcorp
Classification: Uncertain significance. Last evaluated: 2022-08-16. Review status: criteria provided, single submitter. Criteria: Invitae Variant Classification Sherloc (09022015). Collection method: clinical testing. Allele origin: germline.
Comment: This sequence change replaces arginine, which is basic and polar, with tryptophan, which is neutral and slightly polar, at codon 413 of the HSPG2 protein (p.Arg413Trp). This variant is present in population databases (rs745376918, gnomAD 0.05%). This variant has not been reported in the literature in individuals affected with HSPG2-related conditions. ClinVar contains an entry for this variant (Variation ID: 1451038). Algorithms developed to predict the effect of missense changes on protein structure and function are either unavailable or do not agree on the potential impact of this missense change (SIFT: "Deleterious"; PolyPhen-2: "Possibly Damaging"; Align-GVGD: "Class C0"). In summary, the available evidence is currently insufficient to determine the role of this variant in disease. Therefore, it has been classified as a Variant of Uncertain Significance.

Revvity Omics, Revvity
Classification: Uncertain significance. Last evaluated: 2019-11-06. Review status: criteria provided, single submitter. Criteria: ACMG Guidelines, 2015. Collection method: clinical testing. Allele origin: germline.

NM_005529.7(HSPG2):c.1237C>T (p.Arg413Trp)

Gene: HSPG2 (heparan sulfate proteoglycan 2; minus strand). Cytogenetic location: 1p36.12.
Variant type: single nucleotide variant.
Coding change: c.1237C>T on transcript NM_005529.7 (MANE Select); coding-DNA position 1237, C replaced by T.
Protein change: p.Arg413Trp; replaces arginine 413 with tryptophan.
Molecular consequence: missense variant.
Genome position (GRCh38, 1-based): chr1:21,885,131, G>A on the plus strand (C>T on the coding strand, the complement: HSPG2 is on the minus strand). VCF-style: chr1-21885131-G-A. GRCh37 (hg19) VCF-style: chr1-22211624-G-A.
Other names: c.1237C>T (NM_005529.5); c.1237C>T, p.Arg413Trp (NM_001291860.2); short protein forms R413W.
Identifiers: ClinVar variation 1451038 (VCV001451038.9), dbSNP rs745376918, ClinGen allele CA673503.